The following is an entry in ClinVar:

ClinVar aggregate classification (germline): Benign/Likely benign. Review status: criteria provided, multiple submitters, no conflicts (2 of 4 stars). 6 submissions from 6 submitters: Benign (5); Likely benign (1). Last evaluated 2026-01-26.

Conditions:
Premature ovarian failure 15. Identifiers: MedGen C4748170, MONDO:0054862, OMIM 618096.
Hereditary cancer-predisposing syndrome. Also called: Hereditary Cancer Syndrome; Tumor predisposition; Hereditary neoplastic syndrome; Neoplastic Syndromes, Hereditary. Identifiers: Orphanet 140162, MedGen C0027672, MeSH D009386, MONDO:0015356.
Fanconi anemia (FA). Also called: Fanconi's anemia. Identifiers: Orphanet 84, MedGen C0015625, MeSH D005199, MONDO:0019391.

Allele frequency attached by ClinVar (database versions not stated): gnomAD exomes 0.00045 and 0.00123; ExAC 0.00159; gnomAD 0.00431 and 0.00456; ESP Exome Variant Server 0.00662; 1000 Genomes Project 0.00679; 1000 Genomes Project 30x 0.00718; TOPMed 0.00543.
gnomAD v4.1: 1,351 of 1,613,804 alleles (0.084%); highest among the groups gnomAD compares: African/African-American, 1.6%; 12 homozygotes.

Submissions (6):

Labcorp Genetics (formerly Invitae), Labcorp
Classification: Benign for Fanconi anemia. Last evaluated: 2026-01-26. Review status: criteria provided, single submitter. Criteria: Invitae Variant Classification Sherloc (09022015). Collection method: clinical testing. Allele origin: germline.

Quest Diagnostics Nichols Institute San Juan Capistrano
Classification: Benign. Last evaluated: 2025-08-19. Review status: criteria provided, single submitter. Criteria: Quest Diagnostics criteria. Collection method: clinical testing. Allele origin: unknown.

Molecular Diagnostics Laboratory, Catalan Institute of Oncology
Classification: Benign for Hereditary cancer-predisposing syndrome. Last evaluated: 2024-11-28. Review status: criteria provided, single submitter. Criteria: ACMG Guidelines, 2015. Collection method: clinical testing. Allele origin: germline.
Comment: BA1, BS2_supporting, BP4_Moderate c.3920A>G, located in exon 14 of the FANCM gene, is predicted to result in the substitution of tyrosine by cysteine at codon 1307, p.(Tyr1307Cys). The variant allele was found in 376/23606 alleles, with a filtering allele frequency of 1.4% at 99% confidence, within the African population in the gnomAD v2.1.1 database (non-cancer data set) (BA1). The SpliceAI algorithm predicts no significant impact on splicing. The REVEL meta-predictor score for this variant (0.031) suggests that it does not affect the protein function according to Pejaver 2022 thresholds (PMID: 36413997) (BP4_Moderate). To our knowledge, neither relevant clinical data nor well-established functional studies have been reported for this variant. It has been found in 5 out of 60466 breast cancer-affected cases and 3 out of 53461 controls (PMID: 33471991). This variant has been observed in homozygous state in multiple healthy individuals (BS2). This variant has been reported in the ClinVar database (4x benign) and in LOVD (2x unclassified). Based on currently available information, the variant c.3920A>G should be considered a benign variant, according to ACMG/AMP classification guidelines.

Blueprint Genetics
Classification: Likely benign. Last evaluated: 2024-11-25. Review status: criteria provided, single submitter. Criteria: ACMG Guidelines, 2015. Collection method: clinical testing. Allele origin: germline.

KCCC/NGS Laboratory, Kuwait Cancer Control Center
Classification: Benign for Premature ovarian failure 15. Last evaluated: 2023-07-07. Review status: criteria provided, single submitter. Criteria: ACMG Guidelines, 2015. Collection method: clinical testing. Allele origin: germline. Affected: yes.

Breakthrough Genomics
Classification: Benign. Review status: criteria provided, single submitter. Criteria: ACMG Guidelines, 2015. Collection method: not provided. Allele origin: germline. Inheritance: Autosomal recessive inheritance. Affected: yes.

Literature cited by the submitters: PubMed 33471991 (cited by Quest Diagnostics Nichols Institute San Juan Capistrano).

NM_020937.4(FANCM):c.3920A>G (p.Tyr1307Cys)

Gene: FANCM (FA complementation group M; plus strand). Cytogenetic location: 14q21.2.
Variant type: single nucleotide variant.
Coding change: c.3920A>G on transcript NM_020937.4 (MANE Select); coding-DNA position 3920, A replaced by G.
Protein change: p.Tyr1307Cys; replaces tyrosine 1307 with cysteine.
Molecular consequence: missense variant.
Genome position (GRCh38, 1-based): chr14:45,176,674, A>G. VCF-style: chr14-45176674-A-G. GRCh37 (hg19) VCF-style: chr14-45645877-A-G.
Other names: c.3842A>G, p.Tyr1281Cys (NM_001308133.2); c.3920A>G (LRG_502t1); short protein forms Y1307C, Y1281C.
Identifiers: ClinVar variation 241320 (VCV000241320.17), dbSNP rs61730251, ClinGen allele CA7169599.